The following is an entry in ClinVar:

ClinVar aggregate classification (germline): Likely benign. Review status: criteria provided, single submitter (1 of 4 stars). 2 submissions from 2 submitters: Likely benign (1). 1 of the submissions does not count toward it. Last evaluated 2025-12-03.

Conditions:
NF1-related disorder. Also called: NF1-related condition. Identifiers: MedGen CN379171.
Neurofibromatosis, type 1 (NF1). Also called: Peripheral type neurofibromatosis; NEUROFIBROMATOSIS, TYPE I, SOMATIC; Neurofibromatosis, type I; VON RECKLINGHAUSEN DISEASE. Identifiers: Orphanet 636, MedGen C0027831, MONDO:0018975, OMIM 162200. Disease mechanism: loss of function.

Allele frequency attached by ClinVar (database versions not stated): TOPMed 0.00001.

Submissions (2):

Labcorp Genetics (formerly Invitae), Labcorp
Classification: Likely benign for Neurofibromatosis, type 1. Last evaluated: 2025-12-03. Review status: criteria provided, single submitter. Criteria: Invitae Variant Classification Sherloc (09022015). Collection method: clinical testing. Allele origin: germline.

PreventionGenetics, part of Exact Sciences
Classification: Likely benign for NF1-related condition. Last evaluated: 2024-05-15. Review status: no assertion criteria provided. Collection method: clinical testing. Allele origin: germline. Not counted in ClinVar's aggregate classification.
Comment: This variant is classified as likely benign based on ACMG/AMP sequence variant interpretation guidelines (Richards et al. 2015 PMID: 25741868, with internal and published modifications).

NM_001042492.3(NF1):c.3974+8A>G

Gene: NF1 (neurofibromin 1; plus strand). Cytogenetic location: 17q11.2.
Variant type: single nucleotide variant.
Coding change: c.3974+8A>G on transcript NM_001042492.3 (MANE Select); 8 bases into the intron after coding-DNA position 3974, A replaced by G.
Molecular consequence: intron variant.
Genome position (GRCh38, 1-based): chr17:31,236,029, A>G. VCF-style: chr17-31236029-A-G. GRCh37 (hg19) VCF-style: chr17-29563047-A-G.
Other names: c.3974+8A>G (NM_000267.4).
Identifiers: ClinVar variation 1082239 (VCV001082239.8), dbSNP rs2067195955, ClinGen allele CA2255573524.